The following is an entry in ClinVar:

NM_001174147.2(LMX1B):c.807C>A (p.Asn269Lys)

Gene: LMX1B (LIM homeobox transcription factor 1 beta; plus strand). Cytogenetic location: 9q33.3.
Variant type: single nucleotide variant.
Coding change: c.807C>A on transcript NM_001174147.2 (MANE Select); coding-DNA position 807, C replaced by A.
Protein change: p.Asn269Lys; replaces asparagine 269 with lysine.
Molecular consequence: missense variant.
Genome position (GRCh38, 1-based): chr9:126,693,589, C>A. VCF-style: chr9-126693589-C-A. GRCh37 (hg19) VCF-style: chr9-129455868-C-A.
Other names: c.807C>A, p.Asn269Lys (NM_001174146.2, NM_002316.4); short protein forms N269K.
Identifiers: ClinVar variation 7000 (VCV000007000.11), dbSNP rs121909486, ClinGen allele CA254041.

ClinVar aggregate classification (germline): Pathogenic/Likely pathogenic. Review status: criteria provided, multiple submitters, no conflicts (2 of 4 stars). 3 submissions from 3 submitters: Pathogenic (1); Likely pathogenic (1). 1 of the submissions does not count toward it. Last evaluated 2024-05-10.

Conditions:
Nail-patella syndrome (NPS). Also called: ONYCHOOSTEODYSPLASIA; FONG DISEASE; TURNER-KIESER SYNDROME. Identifiers: Orphanet 2614, MedGen C0027341, MONDO:0008061, OMIM 161200.
Nail-patella-like renal disease. Also called: GLOMERULAR BASEMENT MEMBRANE DISEASE, NAIL-PATELLA SYNDROME TYPE; Focal Segmental Glomerulosclerosis 10. Identifiers: Orphanet 2613, MedGen C0403548, MONDO:0009724, OMIM 256020.

Submissions (3):

Fulgent Genetics
Classification: Likely pathogenic for Nail-patella syndrome; Nail-patella-like renal disease. Last evaluated: 2024-05-10. Review status: criteria provided, single submitter. Criteria: ACMG Guidelines, 2015. Collection method: clinical testing. Allele origin: germline.

Labcorp Genetics (formerly Invitae), Labcorp
Classification: Pathogenic. Last evaluated: 2022-06-13. Review status: criteria provided, single submitter. Criteria: Invitae Variant Classification Sherloc (09022015). Collection method: clinical testing. Allele origin: germline.
Comment: This sequence change replaces asparagine, which is neutral and polar, with lysine, which is basic and polar, at codon 269 of the LMX1B protein (p.Asn269Lys). For these reasons, this variant has been classified as Pathogenic. Experimental studies have shown that this missense change affects LMX1B function (PMID: 9590287). Algorithms developed to predict the effect of missense changes on protein structure and function are either unavailable or do not agree on the potential impact of this missense change (SIFT: "Deleterious"; PolyPhen-2: "Possibly Damaging"; Align-GVGD: "Class C0"). ClinVar contains an entry for this variant (Variation ID: 7000). This variant is also known as N246K. This missense change has been observed in individual(s) with clinical features of nail-patella syndrome (PMID: 9590287; Invitae). In at least one individual the variant was observed to be de novo. This variant is not present in population databases (gnomAD no frequency).

OMIM
Classification: Pathogenic for NAIL-PATELLA SYNDROME. Last evaluated: 1998-05-01. Review status: no assertion criteria provided. Collection method: literature only. Allele origin: germline. Not counted in ClinVar's aggregate classification.

Literature cited by the submitters: PubMed 9590287 (cited by Labcorp Genetics (formerly Invitae), Labcorp and OMIM); PubMed 15498463 (cited by OMIM).